The following is an entry in ClinVar:

NM_018131.5(CEP55):c.626C>T (p.Thr209Met)

Gene: CEP55 (centrosomal protein 55; plus strand). Cytogenetic location: 10q23.33.
Variant type: single nucleotide variant.
Coding change: c.626C>T on transcript NM_018131.5 (MANE Select); coding-DNA position 626, C replaced by T.
Protein change: p.Thr209Met; replaces threonine 209 with methionine.
Molecular consequence: missense variant.
Genome position (GRCh38, 1-based): chr10:93,515,502, C>T. VCF-style: chr10-93515502-C-T. GRCh37 (hg19) VCF-style: chr10-95275259-C-T.
Other names: c.626C>T, p.Thr209Met (NM_001127182.2); short protein forms T209M.
Identifiers: ClinVar variation 1374740 (VCV001374740.6), dbSNP rs199775989, ClinGen allele CA5608958.

ClinVar aggregate classification (germline): Uncertain significance (1 of 4 stars; one submission).

Allele frequency attached by ClinVar (database versions not stated): ExAC 0.00007; gnomAD exomes 0.00009; ESP Exome Variant Server 0.00015; 1000 Genomes Project 30x 0.00016; 1000 Genomes Project 0.00020.
gnomAD v4.1: 224 of 1,613,648 alleles (0.014%); highest among the groups gnomAD compares: East Asian, 0.018%; no homozygotes.

Submission:

Labcorp Genetics (formerly Invitae), Labcorp
Classification: Uncertain significance. Last evaluated: 2025-05-29. Review status: criteria provided, single submitter. Criteria: Invitae Variant Classification Sherloc (09022015). Collection method: clinical testing. Allele origin: germline.
Comment: This sequence change replaces threonine, which is neutral and polar, with methionine, which is neutral and non-polar, at codon 209 of the CEP55 protein (p.Thr209Met). This variant is present in population databases (rs199775989, gnomAD 0.05%). This variant has not been reported in the literature in individuals affected with CEP55-related conditions. ClinVar contains an entry for this variant (Variation ID: 1374740). An algorithm developed to predict the effect of missense changes on protein structure and function outputs the following: PolyPhen-2: "Benign". The methionine amino acid residue is found in multiple mammalian species, which suggests that this missense change does not adversely affect protein function. In summary, the available evidence is currently insufficient to determine the role of this variant in disease. Therefore, it has been classified as a Variant of Uncertain Significance.